The following is an entry in ClinVar:

ClinVar aggregate classification (germline): Likely benign. Review status: criteria provided, multiple submitters, no conflicts (2 of 4 stars). 2 submissions from 2 submitters: Likely benign (2). Last evaluated 2026-01-11.

Conditions:
Arginase deficiency. Also called: ARGININEMIA; ARG1 DEFICIENCY; Arginase 1 Deficiency. Identifiers: Orphanet 90, MedGen C0268548, MONDO:0008814, OMIM 207800.

Allele frequency attached by ClinVar (database versions not stated): gnomAD exomes below 0.00001 and 0.00001; TOPMed 0.00007; 1000 Genomes Project 30x 0.00016; 1000 Genomes Project 0.00020; ExAC 0.00002; gnomAD 0.00006.
gnomAD v4.1: 19 of 1,613,924 alleles (0.0012%); highest among the groups gnomAD compares: African/African-American, 0.02%; no homozygotes.

Submissions (2):

Labcorp Genetics (formerly Invitae), Labcorp
Classification: Likely benign for Arginase deficiency. Last evaluated: 2026-01-11. Review status: criteria provided, single submitter. Criteria: Invitae Variant Classification Sherloc (09022015). Collection method: clinical testing. Allele origin: germline.

GeneDx
Classification: Likely benign. Last evaluated: 2018-04-16. Review status: criteria provided, single submitter. Criteria: GeneDx Variant Classification (06012015). Collection method: clinical testing. Allele origin: germline. Affected: yes.
Comment: This variant is considered likely benign or benign based on one or more of the following criteria: it is a conservative change, it occurs at a poorly conserved position in the protein, it is predicted to be benign by multiple in silico algorithms, and/or has population frequency not consistent with disease.

NM_000045.4(ARG1):c.333T>C (p.His111=)

Genes: ARG1 (arginase 1; plus strand), MED23 (mediator complex subunit 23; minus strand). Cytogenetic location: 6q23.2.
Variant type: single nucleotide variant.
Coding change: c.333T>C on transcript NM_000045.4 (MANE Select); coding-DNA position 333, T replaced by C.
Protein change: p.His111=; no amino-acid change (histidine 111 retained).
Molecular consequence: synonymous variant. On other transcripts: non-coding transcript variant (1), intron variant (3).
Genome position (GRCh38, 1-based): chr6:131,581,246, T>C. VCF-style: chr6-131581246-T-C. GRCh37 (hg19) VCF-style: chr6-131902386-T-C.
Other names: c.357T>C, p.His119= (NM_001244438.2); c.306-1814T>C (NM_001369020.1); c.4077+6463A>G (NM_001270521.2); c.4095+6463A>G (NM_015979.4).
Identifiers: ClinVar variation 681459 (VCV000681459.9), dbSNP rs200458963, ClinGen allele CA3999235.